The following is an entry in ClinVar:

NM_004006.3(DMD):c.31+134AT[6]

Gene: DMD (dystrophin; minus strand). Cytogenetic location: Xp21.1.
Variant type: Microsatellite.
Coding change: c.31+134AT[6] on transcript NM_004006.3 (MANE Select); six copies in a row of the 2-base unit AT starting at c.31+134; the reference has five copies in a row; one copy, 2 bases duplicated.
Molecular consequence: intron variant.
Genome position (GRCh38, 1-based): chrX:33,211,139-33,211,140, AT duplicated on the plus strand (AT on the coding strand, the reverse complement: DMD is on the minus strand); duplicating any 2 consecutive bases within chrX:33,211,139-33,211,148 gives the same sequence; the position shown is the placement nearest the transcript's 3' end. VCF-style (leftmost placement, unchanged base first): chrX-33211138-C-CAT. GRCh37 (hg19) VCF-style: chrX-33229255-C-CAT.
Other names: c.7+128111AT[6] (NM_000109.4).
Identifiers: ClinVar variation 288439 (VCV000288439.30), dbSNP rs764891575, ClinGen allele CA10606092.

ClinVar aggregate classification (germline): Conflicting classifications of pathogenicity. Review status: criteria provided, conflicting classifications (1 of 4 stars). 2 submissions from 2 submitters: Uncertain significance (1); Likely benign (1). Last evaluated 2023-04-01.

Submissions (2):

CeGaT Center for Human Genetics Tuebingen
Classification: Likely benign. Last evaluated: 2023-04-01. Review status: criteria provided, single submitter. Criteria: CeGaT Center For Human Genetics Tuebingen Variant Classification Criteria Version 2. Collection method: clinical testing. Allele origin: germline. Affected: yes. Observed: 2 variant alleles.
Comment: DMD: BS2

Eurofins Ntd Llc (ga)
Classification: Uncertain significance. Last evaluated: 2016-06-03. Review status: criteria provided, single submitter. Criteria: EGL Classification Definitions. Collection method: clinical testing. Allele origin: germline. Observed: 1 variant allele, 1 heterozygote.